The following is an entry in ClinVar:

NM_020320.5(RARS2):c.456T>C (p.Asn152=)

Gene: RARS2 (arginyl-tRNA synthetase 2, mitochondrial; minus strand). Cytogenetic location: 6q15.
Variant type: single nucleotide variant.
Coding change: c.456T>C on transcript NM_020320.5 (MANE Select); coding-DNA position 456, T replaced by C.
Protein change: p.Asn152=; no amino-acid change (asparagine 152 retained).
Molecular consequence: synonymous variant. On other transcripts: 5 prime UTR variant (7), non-coding transcript variant (15).
Genome position (GRCh38, 1-based): chr6:87,545,695, A>G on the plus strand (T>C on the coding strand, the complement: RARS2 is on the minus strand). VCF-style: chr6-87545695-A-G. GRCh37 (hg19) VCF-style: chr6-88255413-A-G.
Other names: p.N152N:AAT>AAC; c.-70T>C (NM_001318785.2, NM_001350506.2, NM_001350507.2 and 4 more transcripts); c.456T>C, p.Asn152= (NM_001350505.2); c.456T>C (NM_020320.4).
Identifiers: ClinVar variation 138891 (VCV000138891.59), dbSNP rs141374913, ClinGen allele CA293068.

ClinVar aggregate classification (germline): Conflicting classifications of pathogenicity. Review status: criteria provided, conflicting classifications (1 of 4 stars). 7 submissions from 7 submitters: Uncertain significance (1); Benign (1); Likely benign (3). 2 of the submissions do not count toward it. Last evaluated 2026-01-25.

Conditions:
Pontocerebellar hypoplasia type 6 (PCH6). Identifiers: Orphanet 166073, MedGen C1969084, MONDO:0012683, OMIM 611523.

Allele frequency attached by ClinVar (database versions not stated): 1000 Genomes Project 0.00060; 1000 Genomes Project 30x 0.00062; gnomAD exomes 0.00069 and 0.00121; gnomAD 0.00070; ExAC 0.00071; ESP Exome Variant Server 0.00077; TOPMed 0.00079.
gnomAD v4.1: 1,871 of 1,612,880 alleles (0.12%); highest among the groups gnomAD compares: Non-Finnish European, 0.14%; no homozygotes.

Submissions (7):

Labcorp Genetics (formerly Invitae), Labcorp
Classification: Likely benign. Last evaluated: 2026-01-25. Review status: criteria provided, single submitter. Criteria: Invitae Variant Classification Sherloc (09022015). Collection method: clinical testing. Allele origin: germline.

Women's Health and Genetics/Laboratory Corporation of America, LabCorp
Classification: Likely benign. Last evaluated: 2023-02-22. Review status: criteria provided, single submitter. Criteria: LabCorp Variant Classification Summary - May 2015. Collection method: clinical testing. Allele origin: germline.

CeGaT Center for Human Genetics Tuebingen
Classification: Likely benign. Last evaluated: 2023-01-01. Review status: criteria provided, single submitter. Criteria: CeGaT Center For Human Genetics Tuebingen Variant Classification Criteria Version 2. Collection method: clinical testing. Allele origin: germline. Affected: yes. Observed: 4 variant alleles.
Comment: RARS2: BP4

Illumina Laboratory Services, Illumina
Classification: Uncertain significance for Pontocerebellar hypoplasia type 6. Last evaluated: 2018-01-12. Review status: criteria provided, single submitter. Criteria: ICSL Variant Classification Criteria 13 December 2019. Collection method: clinical testing. Allele origin: germline.

GeneDx
Classification: Benign. Last evaluated: 2013-02-18. Review status: criteria provided, single submitter. Criteria: GeneDx Variant Classification (06012015). Collection method: clinical testing. Allele origin: germline. Affected: yes.
Comment: This variant is considered likely benign or benign based on one or more of the following criteria: it is a conservative change, it occurs at a poorly conserved position in the protein, it is predicted to be benign by multiple in silico algorithms, and/or has population frequency not consistent with disease.

Natera, Inc.
Classification: Likely benign for Pontocerebellar hypoplasia, type 6. Last evaluated: 2019-12-18. Review status: no assertion criteria provided. Collection method: clinical testing. Allele origin: germline. Not counted in ClinVar's aggregate classification.

Mayo Clinic Laboratories, Mayo Clinic
Classification: Likely benign. Last evaluated: 2017-11-08. Review status: no assertion criteria provided. Collection method: clinical testing. Allele origin: unknown. Not counted in ClinVar's aggregate classification.